The following is an entry in ClinVar:

ClinVar aggregate classification (germline): Uncertain significance (1 of 4 stars; one submission).

Conditions:
Hereditary nonpolyposis colorectal neoplasms. Identifiers: MedGen C0009405, MeSH D003123.

Submission:

Labcorp Genetics (formerly Invitae), Labcorp
Classification: Uncertain significance for Hereditary nonpolyposis colorectal neoplasms. Last evaluated: 2023-11-09. Review status: criteria provided, single submitter. Criteria: Invitae Variant Classification Sherloc (09022015). Collection method: clinical testing. Allele origin: germline.
Comment: This sequence change replaces serine, which is neutral and polar, with leucine, which is neutral and non-polar, at codon 470 of the MSH6 protein (p.Ser470Leu). This variant is not present in population databases (gnomAD no frequency). This variant has not been reported in the literature in individuals affected with MSH6-related conditions. Advanced modeling of protein sequence and biophysical properties (such as structural, functional, and spatial information, amino acid conservation, physicochemical variation, residue mobility, and thermodynamic stability) performed at Invitae indicates that this missense variant is not expected to disrupt MSH6 protein function with a negative predictive value of 95%. In summary, the available evidence is currently insufficient to determine the role of this variant in disease. Therefore, it has been classified as a Variant of Uncertain Significance.

NM_000179.3(MSH6):c.1409C>T (p.Ser470Leu)

Gene: MSH6 (mutS homolog 6; plus strand). Cytogenetic location: 2p16.3.
Variant type: single nucleotide variant.
Coding change: c.1409C>T on transcript NM_000179.3 (MANE Select); coding-DNA position 1409, C replaced by T.
Protein change: p.Ser470Leu; replaces serine 470 with leucine.
Molecular consequence: missense variant. On other transcripts: non-coding transcript variant (4), intron variant (1).
Genome position (GRCh38, 1-based): chr2:47,799,392, C>T. VCF-style: chr2-47799392-C-T. GRCh37 (hg19) VCF-style: chr2-48026531-C-T.
Other names: c.1019C>T, p.Ser340Leu (NM_001281492.2); c.503C>T, p.Ser168Leu (NM_001281493.2, NM_001281494.2, NM_001406811.1 and 6 more transcripts); c.1505C>T, p.Ser502Leu (NM_001406795.1, NM_001406802.1); c.1409C>T, p.Ser470Leu (NM_001406796.1, NM_001406798.1, NM_001406808.1 and 4 more transcripts); c.1112C>T, p.Ser371Leu (NM_001406797.1, NM_001406818.1, NM_001406801.1 and 10 more transcripts); c.1415C>T, p.Ser472Leu (NM_001406813.1); c.884C>T, p.Ser295Leu (NM_001406799.1, NM_001406806.1, NM_001406807.1); c.1331C>T, p.Ser444Leu (NM_001406804.1); and 2 more; short protein forms S168L, S470L, S502L, S295L, S472L, S340L, S371L, S414L.
Identifiers: ClinVar variation 2741765 (VCV002741765.3), dbSNP rs2104341995, ClinGen allele CA346745281.